The following is an entry in ClinVar:

NM_001009999.3(KDM1A):c.438G>C (p.Glu146Asp)

Gene: KDM1A (lysine demethylase 1A; plus strand). Cytogenetic location: 1p36.12.
Variant type: single nucleotide variant.
Coding change: c.438G>C on transcript NM_001009999.3 (MANE Select); coding-DNA position 438, G replaced by C.
Protein change: p.Glu146Asp; replaces glutamic acid 146 with aspartic acid.
Molecular consequence: missense variant.
Genome position (GRCh38, 1-based): chr1:23,030,555, G>C. VCF-style: chr1-23030555-G-C. GRCh37 (hg19) VCF-style: chr1-23357048-G-C.
Other names: c.438G>C, p.Glu146Asp (NM_001363654.2, NM_001410762.1, NM_001410763.1 and 1 more transcripts); short protein forms E146D.
Identifiers: ClinVar variation 4841910 (VCV004841910.1).

ClinVar aggregate classification (germline): Uncertain significance (1 of 4 stars; one submission).

Conditions:
Inborn genetic diseases. Identifiers: MedGen C0950123, MeSH D030342.

gnomAD v4.1: 1 of 1,612,402 alleles (0.000062%); highest among the groups gnomAD compares: African/African-American, 0.0013%; no homozygotes.

Submission:

Ambry Genetics
Classification: Uncertain significance for Inborn genetic diseases. Last evaluated: 2025-12-24. Review status: criteria provided, single submitter. Criteria: Ambry Variant Classification Scheme 2023. Collection method: clinical testing. Allele origin: germline.
Comment: The p.E146D variant (also known as c.438G>C), located in coding exon 2 of the KDM1A gene, results from a G to C substitution at nucleotide position 438. The glutamic acid at codon 146 is replaced by aspartic acid, an amino acid with highly similar properties. This amino acid position is conserved. In addition, this alteration is predicted to be tolerated by in silico analysis. Based on the available evidence, the clinical significance of this variant remains unclear.